The following is an entry in ClinVar:

NM_201599.3(ZMYM3):c.3535C>A (p.Leu1179Ile)

Gene: ZMYM3 (zinc finger MYM-type containing 3; minus strand). Cytogenetic location: Xq13.1.
Variant type: single nucleotide variant.
Coding change: c.3535C>A on transcript NM_201599.3 (MANE Select); coding-DNA position 3535, C replaced by A.
Protein change: p.Leu1179Ile; replaces leucine 1179 with isoleucine.
Molecular consequence: missense variant.
Genome position (GRCh38, 1-based): chrX:71,242,982, G>T on the plus strand (C>A on the coding strand, the complement: ZMYM3 is on the minus strand). VCF-style: chrX-71242982-G-T. GRCh37 (hg19) VCF-style: chrX-70462832-G-T.
Other names: c.3499C>A, p.Leu1167Ile (NM_001171162.1); c.3535C>A, p.Leu1179Ile (NM_005096.3); short protein forms L1167I, L1179I.
Identifiers: ClinVar variation 3371005 (VCV003371005.1).

ClinVar aggregate classification (germline): Uncertain significance (1 of 4 stars; one submission).

gnomAD v4.1: 1 of 1,210,850 alleles (0.000083%); highest among the groups gnomAD compares: Admixed American, 0.0022%; no homozygotes.

Submission:

GeneDx
Classification: Uncertain significance. Last evaluated: 2024-04-12. Review status: criteria provided, single submitter. Criteria: GeneDx Variant Classification Process June 2021. Collection method: clinical testing. Allele origin: germline. Affected: yes.
Comment: Not observed at significant frequency in large population cohorts (gnomAD); In silico analysis indicates that this missense variant does not alter protein structure/function; Has not been previously published as pathogenic or benign to our knowledge